The following is an entry in ClinVar:

ClinVar aggregate classification (germline): Uncertain significance (1 of 4 stars; one submission).

Submission:

Labcorp Genetics (formerly Invitae), Labcorp
Classification: Uncertain significance. Last evaluated: 2024-08-04. Review status: criteria provided, single submitter. Criteria: Invitae Variant Classification Sherloc (09022015). Collection method: clinical testing. Allele origin: germline.
Comment: This sequence change replaces glycine, which is neutral and non-polar, with arginine, which is basic and polar, at codon 201 of the LONP1 protein (p.Gly201Arg). This variant is not present in population databases (gnomAD no frequency). This variant has not been reported in the literature in individuals affected with LONP1-related conditions. ClinVar contains an entry for this variant (Variation ID: 2010269). Advanced modeling of protein sequence and biophysical properties (such as structural, functional, and spatial information, amino acid conservation, physicochemical variation, residue mobility, and thermodynamic stability) performed at Invitae indicates that this missense variant is not expected to disrupt LONP1 protein function with a negative predictive value of 80%. In summary, the available evidence is currently insufficient to determine the role of this variant in disease. Therefore, it has been classified as a Variant of Uncertain Significance.

NM_004793.4(LONP1):c.601G>A (p.Gly201Arg)

Gene: LONP1 (lon peptidase 1, mitochondrial; minus strand). Cytogenetic location: 19p13.3.
Variant type: single nucleotide variant.
Coding change: c.601G>A on transcript NM_004793.4 (MANE Select); coding-DNA position 601, G replaced by A.
Protein change: p.Gly201Arg; replaces glycine 201 with arginine.
Molecular consequence: missense variant. On other transcripts: non-coding transcript variant (1).
Genome position (GRCh38, 1-based): chr19:5,713,171, C>T on the plus strand (G>A on the coding strand, the complement: LONP1 is on the minus strand). VCF-style: chr19-5713171-C-T. GRCh37 (hg19) VCF-style: chr19-5713182-C-T.
Other names: c.409G>A, p.Gly137Arg (NM_001276479.2); c.13G>A, p.Gly5Arg (NM_001276480.1); short protein forms G5R, G137R, G201R.
Identifiers: ClinVar variation 2010269 (VCV002010269.4), dbSNP rs2512426015, ClinGen allele CA403539678.
Genomic context (GRCh38, chr19:5,713,171, plus strand): 5'-ACTGTCCCCCGCCAGCCACCCACCTTCTGTGTCCCATGACGATCATGCGCAGCTTGTCCC[C>T]AAGGTCCTGCATCTCATGGATCTGGGCAAACGTCCCCGTGTGGTAGATTTCATCCAGGCT-3'
Protein context (NP_004784.2, residues 191-211): FAQIHEMQDL[Gly201Arg]DKLRMIVMGH